The following is an entry in ClinVar:

NM_015311.3(OBSL1):c.2104G>A (p.Val702Met)

Gene: OBSL1 (obscurin like cytoskeletal adaptor 1; minus strand). Cytogenetic location: 2q35.
Variant type: single nucleotide variant.
Coding change: c.2104G>A on transcript NM_015311.3 (MANE Select); coding-DNA position 2104, G replaced by A.
Protein change: p.Val702Met; replaces valine 702 with methionine.
Molecular consequence: missense variant.
Genome position (GRCh38, 1-based): chr2:219,566,860, C>T on the plus strand (G>A on the coding strand, the complement: OBSL1 is on the minus strand). VCF-style: chr2-219566860-C-T. GRCh37 (hg19) VCF-style: chr2-220431582-C-T.
Other names: c.2104G>A, p.Val702Met (NM_001173408.2, NM_001173431.2); short protein forms V702M.
Identifiers: ClinVar variation 896193 (VCV000896193.13), dbSNP rs199890334, ClinGen allele CA2131332.

ClinVar aggregate classification (germline): Uncertain significance. Review status: criteria provided, multiple submitters, no conflicts (2 of 4 stars). 6 submissions from 6 submitters: Uncertain significance (3). 3 of the submissions do not count toward it. Last evaluated 2025-01-20.

Conditions:
Inborn genetic diseases. Identifiers: MedGen C0950123, MeSH D030342.
3M syndrome 2. Also called: 3-M Syndrome, OBSL1-Related; THREE M SYNDROME 2. Identifiers: Orphanet 2616, MedGen C2752041, MONDO:0013039, OMIM 612921.

Allele frequency attached by ClinVar (database versions not stated): gnomAD exomes 0.00009; gnomAD 0.00011 and 0.00013; ExAC 0.00013; TOPMed 0.00015; ESP Exome Variant Server 0.00016; 1000 Genomes Project 30x 0.00031; 1000 Genomes Project 0.00040.
gnomAD v4.1: 115 of 1,597,242 alleles (0.0072%); highest among the groups gnomAD compares: Middle Eastern, 0.033%; no homozygotes.

Submissions (6):

Ambry Genetics
Classification: Uncertain significance for Inborn genetic diseases. Last evaluated: 2025-01-20. Review status: criteria provided, single submitter. Criteria: Ambry Variant Classification Scheme 2023. Collection method: clinical testing. Allele origin: germline.

Labcorp Genetics (formerly Invitae), Labcorp
Classification: Uncertain significance. Last evaluated: 2022-07-15. Review status: criteria provided, single submitter. Criteria: Invitae Variant Classification Sherloc (09022015). Collection method: clinical testing. Allele origin: germline.
Comment: This sequence change replaces valine, which is neutral and non-polar, with methionine, which is neutral and non-polar, at codon 702 of the OBSL1 protein (p.Val702Met). This variant is present in population databases (rs199890334, gnomAD 0.02%). This variant has not been reported in the literature in individuals affected with OBSL1-related conditions. ClinVar contains an entry for this variant (Variation ID: 896193). Algorithms developed to predict the effect of missense changes on protein structure and function are either unavailable or do not agree on the potential impact of this missense change (SIFT: "Deleterious"; PolyPhen-2: "Probably Damaging"; Align-GVGD: "Class C0"). In summary, the available evidence is currently insufficient to determine the role of this variant in disease. Therefore, it has been classified as a Variant of Uncertain Significance.

Illumina Laboratory Services, Illumina
Classification: Uncertain significance for 3M syndrome 2. Last evaluated: 2018-01-12. Review status: criteria provided, single submitter. Criteria: ICSL Variant Classification Criteria 13 December 2019. Collection method: clinical testing. Allele origin: germline.

Clinical Genetics DNA and cytogenetics Diagnostics Lab, Erasmus MC, Erasmus Medical Center
Classification: Uncertain significance. Review status: no assertion criteria provided. Collection method: clinical testing. Allele origin: germline. Affected: yes. Study: VKGL Data-share Consensus. Not counted in ClinVar's aggregate classification.

Department of Pathology and Laboratory Medicine, Sinai Health System
Classification: Uncertain significance. Review status: no assertion criteria provided. Collection method: clinical testing. Allele origin: unknown. Affected: yes. Study: The Canadian Open Genetics Repository (COGR). Not counted in ClinVar's aggregate classification.
Comment: The OBSL1 p.Val702Met variant was not identified in the literature nor was it identified in ClinVar, Cosmic or LOVD 3.0. The condition associated is 3-M syndrome 2, with an autosomal recessive inheritance pattern. The variant was identified in dbSNP (ID: rs199890334) with unknown clinical significance. The variant was identified in control databases in 25 of 276112 chromosomes at a frequency of 0.000091 (Genome Aggregation Database Feb 27, 2017). The variant was observed in the following populations: African in 5 of 24146 chromosomes (freq: 0.000207), South Asian in 5 of 30050 chromosomes (freq: 0.000166), Latino in 4 of 35142 chromosomes (freq: 0.000114), European (non-Finnish) in 10 of 125398 chromosomes (freq: 0.00008) and East Asian in 1 of 19500 chromosomes (freq: 0.000051); it was not observed in the Ashkenazi Jewish, European (Finnish) and Other populations. The variant occurs outside of the splicing consensus sequence and 3 of 4 in silico or computational prediction software programs (MaxEntScan, NNSPLICE, GeneSplicer) do not predict a change in splicing. The p.Val702 residue is conserved in mammals and distantly related organisms however computational analyses (PolyPhen-2, SIFT, AlignGVGD, BLOSUM, MutationTaster) provide inconsistent predictions regarding the impact to the protein; this information is not very predictive of pathogenicity. In summary, based on the above information the clinical significance of this variant cannot be determined with certainty at this time. This variant is classified as a variant of uncertain significance.

Laboratory of Diagnostic Genome Analysis, Leiden University Medical Center (LUMC)
Classification: Uncertain significance. Review status: no assertion criteria provided. Collection method: clinical testing. Allele origin: germline. Affected: yes. Study: VKGL Data-share Consensus. Not counted in ClinVar's aggregate classification.